The following is an entry in ClinVar:

NC_000007.13:g.(?_26232136)_(26236121_?)dup

Gene: HNRNPA2B1 (heterogeneous nuclear ribonucleoprotein A2/B1; minus strand). Cytogenetic location: 7p15.2.
Variant type: Duplication.
Identifiers: ClinVar variation 2426966 (VCV002426966.4).

ClinVar aggregate classification (germline): Uncertain significance (1 of 4 stars; one submission).

Conditions:
Inclusion body myopathy with early-onset Paget disease with or without frontotemporal dementia 2 (IBMPFD2). Also called: MULTISYSTEM PROTEINOPATHY 2. Identifiers: MedGen C3809468, MONDO:0014178, OMIM 615422.

Submission:

Labcorp Genetics (formerly Invitae), Labcorp
Classification: Uncertain significance for Inclusion body myopathy with early-onset Paget disease with or without frontotemporal dementia 2. Last evaluated: 2022-03-13. Review status: criteria provided, single submitter. Criteria: Invitae Variant Classification Sherloc (09022015). Collection method: clinical testing. Allele origin: germline.
Comment: In summary, the available evidence is currently insufficient to determine the role of this variant in disease. Therefore, it has been classified as a Variant of Uncertain Significance. This variant has not been reported in the literature in individuals affected with HNRNPA2B1-related conditions. This variant results in a copy number gain of the genomic region encompassing exon(s) 7-11 of the HNRNPA2B1 gene. This region includes the termination codon of the gene. This copy number gain extends beyond the assayed region for this gene and therefore may encompass additional genes. As the precise location of this event is unknown, it may be in tandem or it may be located elsewhere in the genome.